The following is an entry in ClinVar:

ClinVar aggregate classification (germline): Uncertain significance (1 of 4 stars; one submission).

Submission:

Women's Health and Genetics/Laboratory Corporation of America, LabCorp
Classification: Uncertain significance. Last evaluated: 2021-09-16. Review status: criteria provided, single submitter. Criteria: LabCorp Variant Classification Summary - May 2015. Collection method: clinical testing. Allele origin: germline.
Comment: Variant summary: ACTB c.213C>G (p.Ile71Met) results in a conservative amino acid change in the encoded protein sequence. Five of five in-silico tools predict a benign effect of the variant on protein function. The variant was absent in 251294 control chromosomes (gnomAD). The available data on variant occurrences in the general population are insufficient to allow any conclusion about variant significance. To our knowledge, no occurrence of c.213C>G in individuals affected with Baraitser-Winter Syndrome 1 and no experimental evidence demonstrating its impact on protein function have been reported. No clinical diagnostic laboratories have submitted clinical-significance assessments for this variant to ClinVar after 2014. Based on the evidence outlined above, the variant was classified as uncertain significance.

NM_001101.5(ACTB):c.213C>G (p.Ile71Met)

Gene: ACTB (actin beta; minus strand). Cytogenetic location: 7p22.1.
Variant type: single nucleotide variant.
Coding change: c.213C>G on transcript NM_001101.5 (MANE Select); coding-DNA position 213, C replaced by G.
Protein change: p.Ile71Met; replaces isoleucine 71 with methionine.
Molecular consequence: missense variant.
Genome position (GRCh38, 1-based): chr7:5,529,311, G>C on the plus strand (C>G on the coding strand, the complement: ACTB is on the minus strand). VCF-style: chr7-5529311-G-C. GRCh37 (hg19) VCF-style: chr7-5568942-G-C.
Other names: short protein forms I71M.
Identifiers: ClinVar variation 1301337 (VCV001301337.1), dbSNP rs752744378, ClinGen allele CA366704926.
Genomic context (GRCh38, chr7:5,529,311, plus strand): 5'-GTAGAAGGTGTGGTGCCAGATTTTCTCCATGTCGTCCCAGTTGGTGACGATGCCGTGCTC[G>C]ATGGGGTACTTCAGGGTGAGGATGCCTCTCTTGCTCTGGGCCTCGTCGCCCACATAGGAA-3'
Protein context (NP_001092.1, residues 61-81): KRGILTLKYP[Ile71Met]EHGIVTNWDD